The following is an entry in ClinVar:

Conditions:
Breast-ovarian cancer, familial, susceptibility to, 1 (BROVCA1). Also called: BRCA1 Hereditary Breast and Ovarian Cancer; OVARIAN CANCER, SUSCEPTIBILITY TO. Identifiers: Orphanet 145, MedGen C2676676, MONDO:0011450, OMIM 604370. Disease mechanism: loss of function.

Submission:

Brotman Baty Institute, University of Washington
No classification provided (evidence only). Condition: Breast-ovarian cancer, familial 1. Review status: no classification provided. Collection method: in vitro. Allele origin: not applicable. Functional consequence: functionally_normal.
ClinVar note: "not provided" was previously submitted as the classification for the variant. However, the classification appeared to be based only on an observation of functional data so it was converted to no classification on 2025-07-30.

NM_007294.4(BRCA1):c.5394C>G (p.Phe1798Leu)

Gene: BRCA1 (BRCA1 DNA repair associated; minus strand). Cytogenetic location: 17q21.31.
Variant type: single nucleotide variant.
Coding change: c.5394C>G on transcript NM_007294.4 (MANE Select); coding-DNA position 5394, C replaced by G.
Protein change: p.Phe1798Leu; replaces phenylalanine 1798 with leucine.
Molecular consequence: missense variant. On other transcripts: non-coding transcript variant (1), intron variant (1).
Genome position (GRCh38, 1-based): chr17:43,049,133, G>C on the plus strand (C>G on the coding strand, the complement: BRCA1 is on the minus strand). VCF-style: chr17-43049133-G-C. GRCh37 (hg19) VCF-style: chr17-41201150-G-C.
Other names: c.5181C>G, p.Phe1727Leu (NM_001407571.1, NM_001407894.1, NM_001407895.1 and 12 more transcripts); c.5460C>G, p.Phe1820Leu (NM_001407581.1, NM_001407582.1); c.5457C>G, p.Phe1819Leu (NM_001407583.1, NM_001407585.1, NM_001407587.1 and 1 more transcripts); c.5391C>G, p.Phe1797Leu (NM_001407610.1, NM_001407611.1, NM_001407612.1 and 14 more transcripts); c.5388C>G, p.Phe1796Leu (NM_001407629.1, NM_001407630.1, NM_001407631.1 and 13 more transcripts); c.5334C>G, p.Phe1778Leu (NM_001407649.1); c.5316C>G, p.Phe1772Leu (NM_001407652.1, NM_001407653.1, NM_001407654.1 and 1 more transcripts); c.5313C>G, p.Phe1771Leu (NM_001407656.1, NM_001407657.1, NM_001407658.1); and 73 more; short protein forms F1751L, F1819L, F1798L, F694L, F1726L, F1750L, F1770L, F1778L.
Identifiers: ClinVar variation 868047 (VCV000868047.3), dbSNP rs777371808, ClinGen allele CA10590687.